The following is an entry in ClinVar:

NM_004586.3(RPS6KA3):c.2114C>T (p.Ala705Val)

Gene: RPS6KA3 (ribosomal protein S6 kinase A3; minus strand). Cytogenetic location: Xp22.12.
Variant type: single nucleotide variant.
Coding change: c.2114C>T on transcript NM_004586.3 (MANE Select); coding-DNA position 2114, C replaced by T.
Protein change: p.Ala705Val; replaces alanine 705 with valine.
Molecular consequence: missense variant.
Genome position (GRCh38, 1-based): chrX:20,155,507, G>A on the plus strand (C>T on the coding strand, the complement: RPS6KA3 is on the minus strand). VCF-style: chrX-20155507-G-A. GRCh37 (hg19) VCF-style: chrX-20173625-G-A.
Other names: c.2030C>T, p.Ala677Val (NM_001438340.1); short protein forms A677V, A705V.
Identifiers: ClinVar variation 5020737 (VCV005020737.1).

ClinVar aggregate classification (germline): Uncertain significance (1 of 4 stars; one submission).

Submission:

Dasa
Classification: Uncertain significance. Last evaluated: 2026-01-11. Review status: criteria provided, single submitter. Criteria: DASA Assertion Criteria. Collection method: clinical testing. Allele origin: germline.
Comment: NM_004586.3(RPS6KA3):c.2114C>T (p.Ala705Val) is a missense variant that results in the substitution of alanine with valine. This variant is absent from population databases. The currently available literature and clinical evidence are not sufficient to establish a definitive association between this variant and the reported condition. Therefore, this variant is classified as a variant of uncertain significance.